The following is an entry in ClinVar:

ClinVar aggregate classification (germline): Likely benign (1 of 4 stars; one submission).

gnomAD v4.1: 197 of 1,533,832 alleles (0.013%); highest among the groups gnomAD compares: South Asian, 0.067%; 4 homozygotes.

Submission:

CeGaT Center for Human Genetics Tuebingen
Classification: Likely benign. Last evaluated: 2025-10-01. Review status: criteria provided, single submitter. Criteria: CeGaT Center For Human Genetics Tuebingen Variant Classification Criteria Version 2. Collection method: clinical testing. Allele origin: germline. Affected: yes. Observed: 1 variant allele.
Comment: MLIP: BP4

NM_001281747.2(MLIP):c.2195G>C (p.Gly732Ala)

Gene: MLIP (muscular LMNA interacting protein; plus strand). Cytogenetic location: 6p12.1.
Variant type: single nucleotide variant.
Coding change: c.2195G>C on transcript NM_001281747.2 (MANE Select); coding-DNA position 2195, G replaced by C.
Protein change: p.Gly732Ala; replaces glycine 732 with alanine.
Molecular consequence: missense variant. On other transcripts: intron variant (1).
Genome position (GRCh38, 1-based): chr6:54,138,264, G>C. VCF-style: chr6-54138264-G-C. GRCh37 (hg19) VCF-style: chr6-54003062-G-C.
Other names: c.2162G>C, p.Gly721Ala (NM_001281746.2); c.613-10792G>C (NM_138569.3); short protein forms G721A, G732A.
Identifiers: ClinVar variation 4533733 (VCV004533733.6).